The following is an entry in ClinVar:

NM_020987.5(ANK3):c.2316G>A (p.Gln772=)

Gene: ANK3 (ankyrin 3; minus strand). Cytogenetic location: 10q21.2.
Variant type: single nucleotide variant.
Coding change: c.2316G>A on transcript NM_020987.5 (MANE Select); coding-DNA position 2316, G replaced by A.
Protein change: p.Gln772=; no amino-acid change (glutamine 772 retained).
Molecular consequence: synonymous variant.
Genome position (GRCh38, 1-based): chr10:60,172,966, C>T on the plus strand (G>A on the coding strand, the complement: ANK3 is on the minus strand). VCF-style: chr10-60172966-C-T. GRCh37 (hg19) VCF-style: chr10-61932724-C-T.
Other names: c.2298G>A, p.Gln766= (NM_001204403.2); c.2265G>A, p.Gln755= (NM_001204404.2); c.2316G>A, p.Gln772= (NM_001320874.2).
Identifiers: ClinVar variation 434175 (VCV000434175.52), dbSNP rs143430852, ClinGen allele CA5512854.

ClinVar aggregate classification (germline): Benign/Likely benign. Review status: criteria provided, multiple submitters, no conflicts (2 of 4 stars). 5 submissions from 5 submitters: Benign (1); Likely benign (4). Last evaluated 2026-04-01.

Conditions:
ANK3-related disorder. Also called: ANK3-related condition.

Allele frequency attached by ClinVar (database versions not stated): gnomAD exomes 0.00020 and 0.00056; ExAC 0.00068; 1000 Genomes Project 0.00200; ESP Exome Variant Server 0.00200; 1000 Genomes Project 30x 0.00219; gnomAD 0.00223 and 0.00240; TOPMed 0.00256.
gnomAD v4.1: 644 of 1,613,818 alleles (0.04%); highest among the groups gnomAD compares: African/African-American, 0.78%; 3 homozygotes.

Submissions (5):

CeGaT Center for Human Genetics Tuebingen
Classification: Likely benign. Last evaluated: 2026-04-01. Review status: criteria provided, single submitter. Criteria: CeGaT Center For Human Genetics Tuebingen Variant Classification Criteria Version 2. Collection method: clinical testing. Allele origin: germline. Affected: yes. Observed: 4 variant alleles.
Comment: ANK3: BP4, BP7

Labcorp Genetics (formerly Invitae), Labcorp
Classification: Benign. Last evaluated: 2026-01-15. Review status: criteria provided, single submitter. Criteria: Invitae Variant Classification Sherloc (09022015). Collection method: clinical testing. Allele origin: germline.

PreventionGenetics, part of Exact Sciences
Classification: Likely benign for ANK3-related condition. Last evaluated: 2025-08-04. Review status: criteria provided, single submitter. Criteria: ACMG Guidelines, 2015. Collection method: clinical testing. Allele origin: germline.
Comment: This variant is classified as likely benign based on ACMG/AMP sequence variant interpretation guidelines (Richards et al. 2015 PMID: 25741868, with internal and published modifications).

Blueprint Genetics
Classification: Likely benign. Last evaluated: 2024-03-05. Review status: criteria provided, single submitter. Criteria: ACMG Guidelines, 2015. Collection method: clinical testing. Allele origin: germline.

Genetic Services Laboratory, University of Chicago
Classification: Likely benign. Last evaluated: 2017-01-18. Review status: criteria provided, single submitter. Criteria: ACMG Guidelines, 2015. Collection method: clinical testing. Allele origin: germline. Affected: no.